The following is an entry in ClinVar:

ClinVar aggregate classification (germline): Conflicting classifications of pathogenicity. Review status: criteria provided, conflicting classifications (1 of 4 stars). 2 submissions from 2 submitters: Uncertain significance (1); Likely benign (1). Last evaluated 2025-03-04.

Conditions:
Adams-Oliver syndrome 5 (AOS5). Identifiers: Orphanet 974, MedGen C4014970, MONDO:0014459, OMIM 616028.

Allele frequency attached by ClinVar (database versions not stated): gnomAD 0.00001; TOPMed 0.00002.
gnomAD v4.1: 2 of 1,601,944 alleles (0.00012%); highest among the groups gnomAD compares: Admixed American, 0.0017%; no homozygotes.

Submissions (2):

Labcorp Genetics (formerly Invitae), Labcorp
Classification: Likely benign for Adams-Oliver syndrome 5. Last evaluated: 2025-03-04. Review status: criteria provided, single submitter. Criteria: Invitae Variant Classification Sherloc (09022015). Collection method: clinical testing. Allele origin: germline.

GeneDx
Classification: Uncertain significance. Last evaluated: 2025-02-18. Review status: criteria provided, single submitter. Criteria: GeneDx Variant Classification Process June 2021. Collection method: clinical testing. Allele origin: germline. Affected: yes.
Comment: Has not been previously published as pathogenic or benign to our knowledge; Not observed at significant frequency in large population cohorts (gnomAD); In silico analysis suggests this variant may impact gene splicing. In the absence of RNA/functional studies, the actual effect of this sequence change is unknown.

NM_017617.5(NOTCH1):c.2172C>G (p.Pro724=)

Gene: NOTCH1 (notch receptor 1; minus strand). Cytogenetic location: 9q34.3.
Variant type: single nucleotide variant.
Coding change: c.2172C>G on transcript NM_017617.5 (MANE Select); coding-DNA position 2172, C replaced by G.
Protein change: p.Pro724=; no amino-acid change (proline 724 retained).
Molecular consequence: synonymous variant.
Genome position (GRCh38, 1-based): chr9:136,514,545, G>C on the plus strand (C>G on the coding strand, the complement: NOTCH1 is on the minus strand). VCF-style: chr9-136514545-G-C. GRCh37 (hg19) VCF-style: chr9-139408997-G-C.
Other names: c.2172C>G (NM_017617.3).
Identifiers: ClinVar variation 2909324 (VCV002909324.4), dbSNP rs1344204097, ClinGen allele CA467717384.